The following is an entry in ClinVar:

NM_001367561.1(DOCK7):c.1410A>C (p.Thr470=)

Gene: DOCK7 (dedicator of cytokinesis 7; minus strand). Cytogenetic location: 1p31.3.
Variant type: single nucleotide variant.
Coding change: c.1410A>C on transcript NM_001367561.1 (MANE Select); coding-DNA position 1410, A replaced by C.
Protein change: p.Thr470=; no amino-acid change (threonine 470 retained).
Molecular consequence: synonymous variant.
Genome position (GRCh38, 1-based): chr1:62,625,274, T>G on the plus strand (A>C on the coding strand, the complement: DOCK7 is on the minus strand). VCF-style: chr1-62625274-T-G. GRCh37 (hg19) VCF-style: chr1-63090945-T-G.
Other names: c.1410A>C, p.Thr470= (NM_001271999.2, NM_001272000.2, NM_001272001.2 and 3 more transcripts).
Identifiers: ClinVar variation 2638867 (VCV002638867.27), dbSNP rs200527457, ClinGen allele CA886959.

ClinVar aggregate classification (germline): Likely benign. Review status: criteria provided, multiple submitters, no conflicts (2 of 4 stars). 2 submissions from 2 submitters: Likely benign (2). Last evaluated 2024-12-28.

Conditions:
Developmental and epileptic encephalopathy, 23 (DEE23). Also called: Epileptic encephalopathy, early infantile, 23. Identifiers: Orphanet 411986, MedGen C4014492, MONDO:0014371, OMIM 615859.

Allele frequency attached by ClinVar (database versions not stated): TOPMed 0.00001; gnomAD 0.00002; gnomAD exomes 0.00003; ExAC 0.00005; 1000 Genomes Project 30x 0.00016; 1000 Genomes Project 0.00020.

Submissions (2):

Labcorp Genetics (formerly Invitae), Labcorp
Classification: Likely benign for Developmental and epileptic encephalopathy, 23. Last evaluated: 2024-12-28. Review status: criteria provided, single submitter. Criteria: Invitae Variant Classification Sherloc (09022015). Collection method: clinical testing. Allele origin: germline.

CeGaT Center for Human Genetics Tuebingen
Classification: Likely benign. Last evaluated: 2022-06-01. Review status: criteria provided, single submitter. Criteria: CeGaT Center For Human Genetics Tuebingen Variant Classification Criteria Version 2. Collection method: clinical testing. Allele origin: germline. Affected: yes. Observed: 1 variant allele.
Comment: DOCK7: BP4, BP7